The following is an entry in ClinVar:

NM_003072.5(SMARCA4):c.2847G>A (p.Met949Ile)

Gene: SMARCA4 (SWI/SNF related BAF chromatin remodeling complex subunit ATPase 4; plus strand). Cytogenetic location: 19p13.2.
Variant type: single nucleotide variant.
Coding change: c.2847G>A on transcript NM_003072.5 (MANE Select); coding-DNA position 2847, G replaced by A.
Protein change: p.Met949Ile; replaces methionine 949 with isoleucine.
Molecular consequence: missense variant. On other transcripts: non-coding transcript variant (1).
Genome position (GRCh38, 1-based): chr19:11,021,955, G>A. VCF-style: chr19-11021955-G-A. GRCh37 (hg19) VCF-style: chr19-11132631-G-A.
Other names: c.2847G>A, p.Met949Ile (NM_001128844.3, NM_001128845.2, NM_001128846.2 and 6 more transcripts); short protein forms M949I.
Identifiers: ClinVar variation 1796783 (VCV001796783.2), dbSNP rs2146423551, ClinGen allele CA404057073.
Genomic context (GRCh38, chr19:11,021,955, plus strand): 5'-GCCCACCATCTTCAAGAGCTGCAGCACCTTCGAGCAGTGGTTTAACGCACCCTTTGCCAT[G>A]ACCGGGGAAAAGGTGGGTTTGCCCAGCTGTGCCCATGCTGACGGTTCCAGGTGCGGCTGG-3'
Protein context (NP_003063.2, residues 939-959): FEQWFNAPFA[Met949Ile]TGEKVDLNEE

ClinVar aggregate classification (germline): Uncertain significance (1 of 4 stars; one submission).

Conditions:
Hereditary cancer-predisposing syndrome. Also called: Tumor predisposition; Hereditary Cancer Syndrome; Neoplastic Syndromes, Hereditary; Hereditary neoplastic syndrome. Identifiers: Orphanet 140162, MedGen C0027672, MeSH D009386, MONDO:0015356.

Submission:

Ambry Genetics
Classification: Uncertain significance for Hereditary cancer-predisposing syndrome. Last evaluated: 2022-02-14. Review status: criteria provided, single submitter. Criteria: Ambry Variant Classification Scheme 2023. Collection method: clinical testing. Allele origin: germline.
Comment: The p.M949I variant (also known as c.2847G>A), located in coding exon 18 of the SMARCA4 gene, results from a G to A substitution at nucleotide position 2847. The methionine at codon 949 is replaced by isoleucine, an amino acid with highly similar properties. This amino acid position is highly conserved in available vertebrate species. In addition, this alteration is predicted to be deleterious by in silico analysis. Missense and in-frame variants in SMARCA4 are known to cause neurodevelopmental disorders; however, such associations with rhabdoid tumor predisposition syndrome including small cell carcinoma of the ovary-hypercalcemic type (SCCOHT) are exceedingly rare (Kosho T et al. Am J Med Genet C Semin Med Genet. 2014 Sep;166C(3):262-75; Jelinic P et al. Nat Genet. 2014 May;46(5):424-6). Since supporting evidence is limited at this time, the clinical significance of this alteration remains unclear.